The following is an entry in ClinVar:

ClinVar aggregate classification (germline): Uncertain significance (1 of 4 stars; one submission).

gnomAD v4.1: 1 of 1,588,736 alleles (0.000063%); highest among the groups gnomAD compares: Non-Finnish European, 0.000085%; no homozygotes.

Submission:

GeneDx
Classification: Uncertain significance. Last evaluated: 2024-08-22. Review status: criteria provided, single submitter. Criteria: GeneDx Variant Classification Process June 2021. Collection method: clinical testing. Allele origin: germline. Affected: yes.
Comment: Not observed at significant frequency in large population cohorts (gnomAD); In silico analysis indicates that this missense variant does not alter protein structure/function; Has not been previously published as pathogenic or benign to our knowledge

NM_001375524.1(TRRAP):c.253C>G (p.Pro85Ala)

Gene: TRRAP (transformation/transcription domain associated protein; plus strand). Cytogenetic location: 7q22.1.
Variant type: single nucleotide variant.
Coding change: c.253C>G on transcript NM_001375524.1 (MANE Select); coding-DNA position 253, C replaced by G.
Protein change: p.Pro85Ala; replaces proline 85 with alanine.
Molecular consequence: missense variant.
Genome position (GRCh38, 1-based): chr7:98,890,437, C>G. VCF-style: chr7-98890437-C-G. GRCh37 (hg19) VCF-style: chr7-98488060-C-G.
Other names: c.253C>G, p.Pro85Ala (NM_001244580.2, NM_003496.4); short protein forms P85A.
Identifiers: ClinVar variation 3764118 (VCV003764118.1).